The following is an entry in ClinVar:

NM_000155.2(GALT):c.[-1039_753del;820+50_*789delinsGAATAGACCCCA]

Variant type: Haplotype.
Identifiers: ClinVar variation 242644 (VCV000242644.4).

ClinVar aggregate classification (germline): Pathogenic (0 of 4 stars; one submission).

Conditions:
Deficiency of UDPglucose-hexose-1-phosphate uridylyltransferase. Also called: GALACTOSE-1-PHOSPHATE URIDYLYLTRANSFERASE DEFICIENCY; GALT deficiency; Galactosemia, classic; Transferase Deficiency Galactosemia; GALACTOSEMIA I. Identifiers: Orphanet 352, Orphanet 79239, MedGen C0268151, MONDO:0009258, OMIM 230400.

Submission:

GeneReviews
Classification: Pathogenic for Deficiency of UDPglucose-hexose-1-phosphate uridylyltransferase. Last evaluated: 2021-03-09. Review status: no assertion criteria provided. Collection method: literature only. Allele origin: germline.
Comment: Severe classic pathogenic variant. A complex deletion that involves a 3,163-bp deletion of the GALT promoter and a 5' gene region along with a 2,295-bp deletion at the 3' end of the gene.

Literature cited by the submitters: PubMed 17079880; PubMed 16540753; PubMed 20301691.